The following is an entry in ClinVar:

NM_000038.6(APC):c.3102G>A (p.Glu1034=)

Gene: APC (APC regulator of Wnt signaling pathway; plus strand). Cytogenetic location: 5q22.2.
Variant type: single nucleotide variant.
Coding change: c.3102G>A on transcript NM_000038.6 (MANE Select); coding-DNA position 3102, G replaced by A.
Protein change: p.Glu1034=; no amino-acid change (glutamic acid 1034 retained).
Molecular consequence: synonymous variant.
Genome position (GRCh38, 1-based): chr5:112,838,696, G>A. VCF-style: chr5-112838696-G-A. GRCh37 (hg19) VCF-style: chr5-112174393-G-A.
Other names: c.3102G>A, p.Glu1034= (NM_001127510.3, NM_001354895.2); c.3048G>A, p.Glu1016= (NM_001127511.3); c.3156G>A, p.Glu1052= (NM_001354896.2); c.3132G>A, p.Glu1044= (NM_001354897.2); c.3027G>A, p.Glu1009= (NM_001354898.2); c.3018G>A, p.Glu1006= (NM_001354899.2); c.2979G>A, p.Glu993= (NM_001354900.2); c.2925G>A, p.Glu975= (NM_001354901.2); and 5 more.
Identifiers: ClinVar variation 799232 (VCV000799232.25), dbSNP rs1580630877, ClinGen allele CA445963176.

ClinVar aggregate classification (germline): Benign/Likely benign. Review status: criteria provided, multiple submitters, no conflicts (2 of 4 stars). 6 submissions from 6 submitters: Benign (1); Likely benign (5). Last evaluated 2025-08-01.

Conditions:
Familial adenomatous polyposis 1 (FAP1). Also called: POLYPOSIS, ADENOMATOUS INTESTINAL; FAMILIAL ADENOMATOUS POLYPOSIS 1, ATTENUATED. Identifiers: MedGen C2713442, MONDO:0021056, OMIM 175100. Disease mechanism: loss of function.
Classic or attenuated familial adenomatous polyposis. Identifiers: MedGen CN372698, MONDO:0021057.
Hereditary cancer-predisposing syndrome. Also called: Tumor predisposition; Neoplastic Syndromes, Hereditary; Hereditary Cancer Syndrome; Hereditary neoplastic syndrome. Identifiers: Orphanet 140162, MedGen C0027672, MeSH D009386, MONDO:0015356.

Allele frequency attached by ClinVar (database versions not stated): gnomAD exomes below 0.00001.
gnomAD v4.1: 2 of 1,614,172 alleles (0.00012%); highest among the groups gnomAD compares: Non-Finnish European, 0.00017%; no homozygotes.

Submissions (6):

CeGaT Center for Human Genetics Tuebingen
Classification: Likely benign. Last evaluated: 2025-08-01. Review status: criteria provided, single submitter. Criteria: CeGaT Center For Human Genetics Tuebingen Variant Classification Criteria Version 2. Collection method: clinical testing. Allele origin: germline. Affected: yes. Observed: 1 variant allele.
Comment: APC: BP4, BP7

Labcorp Genetics (formerly Invitae), Labcorp
Classification: Likely benign for Familial adenomatous polyposis 1. Last evaluated: 2024-09-23. Review status: criteria provided, single submitter. Criteria: Invitae Variant Classification Sherloc (09022015). Collection method: clinical testing. Allele origin: germline.

Myriad Genetics, Inc.
Classification: Benign for Familial adenomatous polyposis 1. Last evaluated: 2024-03-18. Review status: criteria provided, single submitter. Criteria: Myriad Autosomal Dominant, Autosomal Recessive and X-Linked Classification Criteria (2023). Collection method: clinical testing. Allele origin: unknown.
Comment: This variant is considered benign. This variant is a silent/synonymous amino acid change and it is not expected to impact splicing.

All of Us Research Program, National Institutes of Health
Classification: Likely benign for Classic or attenuated familial adenomatous polyposis. Last evaluated: 2023-03-23. Review status: criteria provided, single submitter. Criteria: ACMG Guidelines, 2015. Collection method: clinical testing. Allele origin: germline. Inheritance: Autosomal dominant inheritance. Observed: 1 variant allele, 1 heterozygote.
Comment: This study involves interpretation of variants in research participants for the purpose of population health screening. Participant phenotype was not available at the time of variant classification. Additional details can be found in publication PMID: 35346344, PMCID: PMC8962531

Ambry Genetics
Classification: Likely benign for Hereditary cancer-predisposing syndrome. Last evaluated: 2022-05-07. Review status: criteria provided, single submitter. Criteria: Ambry Variant Classification Scheme 2023. Collection method: clinical testing. Allele origin: germline.

Color Diagnostics, LLC DBA Color Health
Classification: Likely benign for Hereditary cancer-predisposing syndrome. Last evaluated: 2019-01-14. Review status: criteria provided, single submitter. Criteria: ACMG Guidelines, 2015. Collection method: clinical testing. Allele origin: germline.